The following is an entry in ClinVar:

NM_177438.3(DICER1):c.2448T>C (p.Phe816=)

Gene: DICER1 (dicer 1, ribonuclease III; minus strand). Cytogenetic location: 14q32.13.
Variant type: single nucleotide variant.
Coding change: c.2448T>C on transcript NM_177438.3 (MANE Select); coding-DNA position 2448, T replaced by C.
Protein change: p.Phe816=; no amino-acid change (phenylalanine 816 retained).
Molecular consequence: synonymous variant.
Genome position (GRCh38, 1-based): chr14:95,108,082, A>G on the plus strand (T>C on the coding strand, the complement: DICER1 is on the minus strand). VCF-style: chr14-95108082-A-G. GRCh37 (hg19) VCF-style: chr14-95574419-A-G.
Other names: c.2448T>C, p.Phe816= (NM_001195573.1, NM_001271282.3, NM_001291628.2 and 1 more transcripts).
Identifiers: ClinVar variation 821296 (VCV000821296.14), dbSNP rs1595380895, ClinGen allele CA487844937.
Genomic context (GRCh38, chr14:95,108,082, plus strand): 5'-GAAACCAGACTTCTTCAACTCAATGGATATGGTAACCTCTCCAGAGCGTGTGTACACAGG[A>G]AAGTGTGGAATCTTAGCAAAAGGAAATGTAAAGCACCCCTCAAAATTAACAGGTATTTTA-3'
Protein context (NP_803187.1, residues 806-826): TAKPIPQIPH[Phe816=]PVYTRSGEVT

ClinVar aggregate classification (germline): Benign/Likely benign. Review status: criteria provided, multiple submitters, no conflicts (2 of 4 stars). 3 submissions from 3 submitters: Benign (1); Likely benign (2). Last evaluated 2026-04-16.

Conditions:
DICER1-related tumor predisposition. Also called: DICER1 syndrome; DICER1-related pleuropulmonary blastoma cancer predisposition syndrome. Identifiers: Orphanet 284343, MedGen C3839822, MONDO:0100216.
Hereditary cancer-predisposing syndrome. Also called: Tumor predisposition; Hereditary Cancer Syndrome; Hereditary neoplastic syndrome; Neoplastic Syndromes, Hereditary. Identifiers: Orphanet 140162, MedGen C0027672, MeSH D009386, MONDO:0015356.

Allele frequency attached by ClinVar (database versions not stated): gnomAD exomes below 0.00001; TOPMed 0.00001.
gnomAD v4.1: 1 of 1,612,774 alleles (0.000062%); highest among the groups gnomAD compares: Non-Finnish European, 0.000085%; no homozygotes.

Submissions (3):

Myriad Genetics, Inc.
Classification: Benign for DICER1-related tumor predisposition. Last evaluated: 2026-04-16. Review status: criteria provided, single submitter. Criteria: Myriad Autosomal Dominant, Autosomal Recessive and X-Linked Classification Criteria (2023). Collection method: clinical testing. Allele origin: unknown.
Comment: This variant is considered benign. This variant is a silent/synonymous amino acid change and it is not expected to impact splicing.

Labcorp Genetics (formerly Invitae), Labcorp
Classification: Likely benign for DICER1-related tumor predisposition. Last evaluated: 2025-07-20. Review status: criteria provided, single submitter. Criteria: Invitae Variant Classification Sherloc (09022015). Collection method: clinical testing. Allele origin: germline.

Ambry Genetics
Classification: Likely benign for Hereditary cancer-predisposing syndrome. Last evaluated: 2018-04-13. Review status: criteria provided, single submitter. Criteria: Ambry Variant Classification Scheme 2023. Collection method: clinical testing. Allele origin: germline.